The following is an entry in ClinVar:

NC_000010.10:g.(?_73970470)_(73973056_?)del

Gene: ASCC1 (activating signal cointegrator 1 complex subunit 1; minus strand). Cytogenetic location: 10q22.1.
Variant type: Deletion.
Identifiers: ClinVar variation 1460373 (VCV001460373.5).

ClinVar aggregate classification (germline): Pathogenic (1 of 4 stars; one submission).

Submission:

Labcorp Genetics (formerly Invitae), Labcorp
Classification: Pathogenic. Last evaluated: 2023-06-10. Review status: criteria provided, single submitter. Criteria: Invitae Variant Classification Sherloc (09022015). Collection method: clinical testing. Allele origin: germline.
Comment: For these reasons, this variant has been classified as Pathogenic. This variant has not been reported in the literature in individuals affected with ASCC1-related conditions. This variant is a gross deletion of the genomic region encompassing exon(s) 2-3 of the ASCC1 gene, which includes the initiator codon. This deletion extends beyond the assayed region for this gene and therefore may encompass additional genes. It is expected to result in an absent or disrupted protein product. Loss-of-function variants in ASCC1 are known to be pathogenic (PMID: 30327447).

Literature cited by the submitters: PubMed 30327447.